The following is an entry in ClinVar:

ClinVar aggregate classification (germline): Conflicting classifications of pathogenicity. Review status: criteria provided, conflicting classifications (1 of 4 stars). 8 submissions from 8 submitters: Uncertain significance (1); Benign (2); Likely benign (5). Last evaluated 2026-04-01.

Conditions:
Primary ciliary dyskinesia. Also called: Ciliary dyskinesia. Identifiers: Orphanet 244, MedGen C0008780, MONDO:0016575, HP:0012265.

Allele frequency attached by ClinVar (database versions not stated): 1000 Genomes Project 30x 0.00047; 1000 Genomes Project 0.00060; gnomAD exomes 0.00171 and 0.00321; ExAC 0.00172; TOPMed 0.00193; ESP Exome Variant Server 0.00277.
gnomAD v4.1: 4,974 of 1,613,116 alleles (0.31%); highest among the groups gnomAD compares: Non-Finnish European, 0.39%; 11 homozygotes.

Submissions (8):

CeGaT Center for Human Genetics Tuebingen
Classification: Likely benign. Last evaluated: 2026-04-01. Review status: criteria provided, single submitter. Criteria: CeGaT Center For Human Genetics Tuebingen Variant Classification Criteria Version 2. Collection method: clinical testing. Allele origin: germline. Affected: yes. Observed: 5 variant alleles.
Comment: ODAD1: BP4, BS2

Labcorp Genetics (formerly Invitae), Labcorp
Classification: Likely benign for Primary ciliary dyskinesia. Last evaluated: 2026-02-01. Review status: criteria provided, single submitter. Criteria: Invitae Variant Classification Sherloc (09022015). Collection method: clinical testing. Allele origin: germline.

GeneDx
Classification: Uncertain significance. Last evaluated: 2025-07-14. Review status: criteria provided, single submitter. Criteria: GeneDx Variant Classification Process June 2021. Collection method: clinical testing. Allele origin: germline.
Comment: In silico analysis supports that this missense variant has a deleterious effect on protein structure/function; Reported heterozygous along with other variants in a patient with a developmental disorder in published literature (PMID: 31785789); This variant is associated with the following publications: (PMID: 31785789)

Mayo Clinic Laboratories, Mayo Clinic
Classification: Benign. Last evaluated: 2025-07-07. Review status: criteria provided, single submitter. Criteria: ACMG Guidelines, 2015. Collection method: clinical testing. Allele origin: germline. Observed: 3 variant alleles.
Comment: BS1, BS2, BP4_moderate

Blueprint Genetics
Classification: Likely benign. Last evaluated: 2024-11-13. Review status: criteria provided, single submitter. Criteria: ACMG Guidelines, 2015. Collection method: clinical testing. Allele origin: germline.

Ambry Genetics
Classification: Benign for Primary ciliary dyskinesia. Last evaluated: 2017-04-17. Review status: criteria provided, single submitter. Criteria: Ambry Variant Classification Scheme 2023. Collection method: clinical testing. Allele origin: germline.

PreventionGenetics, part of Exact Sciences
Classification: Likely benign. Last evaluated: 2016-04-15. Review status: criteria provided, single submitter. Criteria: ACMG Guidelines, 2015. Collection method: clinical testing. Allele origin: germline.

Breakthrough Genomics
Classification: Likely benign. Review status: criteria provided, single submitter. Criteria: ACMG Guidelines, 2015. Collection method: not provided. Allele origin: germline. Inheritance: Autosomal recessive inheritance. Affected: yes.

NM_001364171.2(ODAD1):c.1481C>T (p.Pro494Leu)

Gene: ODAD1 (outer dynein arm docking complex subunit 1; minus strand). Cytogenetic location: 19q13.33.
Variant type: single nucleotide variant.
Coding change: c.1481C>T on transcript NM_001364171.2 (MANE Select); coding-DNA position 1481, C replaced by T.
Protein change: p.Pro494Leu; replaces proline 494 with leucine.
Molecular consequence: missense variant.
Genome position (GRCh38, 1-based): chr19:48,298,021, G>A on the plus strand (C>T on the coding strand, the complement: ODAD1 is on the minus strand). VCF-style: chr19-48298021-G-A. GRCh37 (hg19) VCF-style: chr19-48801278-G-A.
Other names: p.Pro457Leu; c.1370C>T, p.Pro457Leu (NM_144577.4); short protein forms P457L, P494L.
Identifiers: ClinVar variation 262488 (VCV000262488.43), dbSNP rs148823991, ClinGen allele CA9548682.
Genomic context (GRCh38, chr19:48,298,021, plus strand): 5'-GCCCCGTCCCCTCTGCGTCCCTCCTGCCCTGCGCCTCACAGAGTGTCAGGGGGCTGAAGT[G>A]GGGCCATCTTCTTCGGAAGGTCCTCCAGGCTCTGGCCCAGCACTAGGAGGGCAGCGTCGG-3'
Protein context (NP_001351100.1, residues 484-504): SLEDLPKKMA[Pro494Leu]LQPPDTLEDP